The following is an entry in ClinVar:

ClinVar aggregate classification (germline): Benign. Review status: criteria provided, multiple submitters, no conflicts (2 of 4 stars). 8 submissions from 7 submitters: Benign (6). 2 of the submissions do not count toward it. Last evaluated 2026-01-31.

Conditions:
Microcephaly 9, primary, autosomal recessive. Identifiers: Orphanet 2512, MedGen C3553886, MONDO:0013923, OMIM 614852.
Seckel syndrome 5 (SCKL5). Identifiers: Orphanet 808, MedGen C3151187, MONDO:0013443, OMIM 613823.

Allele frequency attached by ClinVar (database versions not stated): ESP Exome Variant Server 0.00125; gnomAD 0.00809 and 0.01116; gnomAD exomes 0.00862 and 0.02005; TOPMed 0.01266; ExAC 0.01833; 1000 Genomes Project 30x 0.04513; 1000 Genomes Project 0.04812.
gnomAD v4.1: 14,466 of 1,614,020 alleles (0.9%); highest among the groups gnomAD compares: East Asian, 22%; 1,283 homozygotes.

Submissions (8):

Labcorp Genetics (formerly Invitae), Labcorp
Classification: Benign. Last evaluated: 2026-01-31. Review status: criteria provided, single submitter. Criteria: Invitae Variant Classification Sherloc (09022015). Collection method: clinical testing. Allele origin: germline.

Illumina Laboratory Services, Illumina
Classification: Benign for Microcephaly 9, primary, autosomal recessive. Last evaluated: 2018-01-12. Review status: criteria provided, single submitter. Criteria: ICSL Variant Classification Criteria 13 December 2019. Collection method: clinical testing. Allele origin: germline.
Comment: This variant was observed in the ICSL laboratory as part of a predisposition screen in an ostensibly healthy population. It had not been previously curated by ICSL or reported in the Human Gene Mutation Database (HGMD: prior to June 1st, 2018), and was therefore a candidate for classification through an automated scoring system. Utilizing variant allele frequency, disease prevalence and penetrance estimates, and inheritance mode, an automated score was calculated to assess if this variant is too frequent to cause the disease. Based on the score and internal cut-off values, a variant classified as benign is not then subjected to further curation. The score for this variant resulted in a classification of benign for this disease.

Illumina Laboratory Services, Illumina
Classification: Benign for Seckel syndrome 5. Last evaluated: 2018-01-12. Review status: criteria provided, single submitter. Criteria: ICSL Variant Classification Criteria 13 December 2019. Collection method: clinical testing. Allele origin: germline.
Comment: the same text as in the submission from Illumina Laboratory Services, Illumina above.

GeneDx
Classification: Benign. Last evaluated: 2014-05-23. Review status: criteria provided, single submitter. Criteria: GeneDx Variant Classification (06012015). Collection method: clinical testing. Allele origin: germline. Affected: yes.
Comment: This variant is considered likely benign or benign based on one or more of the following criteria: it is a conservative change, it occurs at a poorly conserved position in the protein, it is predicted to be benign by multiple in silico algorithms, and/or has population frequency not consistent with disease.

Genetic Services Laboratory, University of Chicago
Classification: Benign. Last evaluated: 2013-02-08. Review status: criteria provided, single submitter. Criteria: ACMG Guidelines, 2007. Collection method: clinical testing. Allele origin: germline. Inheritance: Autosomal recessive inheritance.

Breakthrough Genomics
Classification: Benign. Review status: criteria provided, single submitter. Criteria: ACMG Guidelines, 2015. Collection method: not provided. Allele origin: germline. Inheritance: Autosomal recessive inheritance. Affected: yes.

Clinical Genetics DNA and cytogenetics Diagnostics Lab, Erasmus MC, Erasmus Medical Center
Classification: Benign. Review status: no assertion criteria provided. Collection method: clinical testing. Allele origin: germline. Affected: yes. Study: VKGL Data-share Consensus. Not counted in ClinVar's aggregate classification.

Laboratory of Diagnostic Genome Analysis, Leiden University Medical Center (LUMC)
Classification: Likely benign. Review status: no assertion criteria provided. Collection method: clinical testing. Allele origin: germline. Affected: yes. Study: VKGL Data-share Consensus. Not counted in ClinVar's aggregate classification.

NM_001194998.2(CEP152):c.2378G>T (p.Ser793Ile)

Gene: CEP152 (centrosomal protein 152; minus strand). Cytogenetic location: 15q21.1.
Variant type: single nucleotide variant.
Coding change: c.2378G>T on transcript NM_001194998.2 (MANE Select); coding-DNA position 2378, G replaced by T.
Protein change: p.Ser793Ile; replaces serine 793 with isoleucine.
Molecular consequence: missense variant.
Genome position (GRCh38, 1-based): chr15:48,762,575, C>A on the plus strand (G>T on the coding strand, the complement: CEP152 is on the minus strand). VCF-style: chr15-48762575-C-A. GRCh37 (hg19) VCF-style: chr15-49054772-C-A.
Other names: p.S793I:AGC>ATC; c.2378G>T, p.Ser793Ile (NM_014985.4); short protein forms S793I.
Identifiers: ClinVar variation 136722 (VCV000136722.19), dbSNP rs2289178, ClinGen allele CA171713.